The following is an entry in ClinVar:

ClinVar aggregate classification (germline): Uncertain significance (1 of 4 stars; one submission).

Conditions:
Inborn genetic diseases. Identifiers: MedGen C0950123, MeSH D030342.

Submission:

Ambry Genetics
Classification: Uncertain significance for Inborn genetic diseases. Last evaluated: 2025-06-20. Review status: criteria provided, single submitter. Criteria: Ambry Variant Classification Scheme 2023. Collection method: clinical testing. Allele origin: germline.
Comment: The p.A574V variant (also known as c.1721C>T), located in coding exon 14 of the DNMT3A gene, results from a C to T substitution at nucleotide position 1721. The alanine at codon 574 is replaced by valine, an amino acid with similar properties. This amino acid position is conserved. In addition, the in silico prediction for this alteration is inconclusive. Based on the available evidence, the clinical significance of this variant remains unclear.

NM_022552.5(DNMT3A):c.1721C>T (p.Ala574Val)

Gene: DNMT3A (DNA methyltransferase 3 alpha; minus strand). Cytogenetic location: 2p23.3.
Variant type: single nucleotide variant.
Coding change: c.1721C>T on transcript NM_022552.5 (MANE Select); coding-DNA position 1721, C replaced by T.
Protein change: p.Ala574Val; replaces alanine 574 with valine.
Molecular consequence: missense variant. On other transcripts: non-coding transcript variant (1).
Genome position (GRCh38, 1-based): chr2:25,244,285, G>A on the plus strand (C>T on the coding strand, the complement: DNMT3A is on the minus strand). VCF-style: chr2-25244285-G-A. GRCh37 (hg19) VCF-style: chr2-25467154-G-A.
Other names: c.1265C>T, p.Ala422Val (NM_001320893.1); c.1052C>T, p.Ala351Val (NM_001375819.1); c.1154C>T, p.Ala385Val (NM_153759.3); c.1721C>T, p.Ala574Val (NM_175629.2); short protein forms A574V, A422V, A351V, A385V.
Identifiers: ClinVar variation 4243579 (VCV004243579.1).
Genomic context (GRCh38, chr2:25,244,285, plus strand): 5'-AGCCCGTAGGTACCCTTGTGCCCGCACATGTAGCAGTTCCAGGGGTCTTCCTTAATGGCT[G>A]CCTGGGCAGCCCCCGGCCCCACCAAGAGGTCCACACACTCCACGCAAAAGCACCTGGAAG-3'
Protein context (NP_072046.2, residues 564-584): DLLVGPGAAQ[Ala574Val]AIKEDPWNCY